The following is an entry in ClinVar:

ClinVar aggregate classification (germline): Uncertain significance. Review status: criteria provided, multiple submitters, no conflicts (2 of 4 stars). 2 submissions from 2 submitters: Uncertain significance (2). Last evaluated 2025-07-25.

Conditions:
Pancreatic adenocarcinoma. Identifiers: MedGen C0281361, MONDO:0006047, HP:0006725.

Submissions (2):

Labcorp Genetics (formerly Invitae), Labcorp
Classification: Uncertain significance for Pancreatic adenocarcinoma. Last evaluated: 2025-07-25. Review status: criteria provided, single submitter. Criteria: Invitae Variant Classification Sherloc (09022015). Collection method: clinical testing. Allele origin: germline.
Comment: This sequence change replaces serine, which is neutral and polar, with proline, which is neutral and non-polar, at codon 48 of the PALLD protein (p.Ser48Pro). This variant is not present in population databases (gnomAD no frequency). This variant has not been reported in the literature in individuals affected with PALLD-related conditions. ClinVar contains an entry for this variant (Variation ID: 542932). An algorithm developed to predict the effect of missense changes on protein structure and function (PolyPhen-2) suggests that this variant is likely to be disruptive. In summary, the available evidence is currently insufficient to determine the role of this variant in disease. Therefore, it has been classified as a Variant of Uncertain Significance.

Ambry Genetics
Classification: Uncertain significance. Last evaluated: 2024-11-28. Review status: criteria provided, single submitter. Criteria: Ambry Variant Classification Scheme 2023. Collection method: clinical testing. Allele origin: germline.
Comment: The p.S48P variant (also known as c.142T>C), located in coding exon 1 of the PALLD gene, results from a T to C substitution at nucleotide position 142. The serine at codon 48 is replaced by proline, an amino acid with similar properties. This amino acid position is conserved. In addition, this alteration is predicted to be tolerated by in silico analysis. Based on the available evidence, the clinical significance of this variant remains unclear.

NM_001166108.2(PALLD):c.1965-12889T>C

Gene: PALLD (palladin, cytoskeletal associated protein; plus strand). Cytogenetic location: 4q32.3.
Variant type: single nucleotide variant.
Coding change: c.1965-12889T>C on transcript NM_001166108.2 (MANE Select); 12889 bases into the intron before coding-DNA position 1965, T replaced by C.
Molecular consequence: intron variant. On other transcripts: missense variant (1).
Genome position (GRCh38, 1-based): chr4:168,878,033, T>C. VCF-style: chr4-168878033-T-C. GRCh37 (hg19) VCF-style: chr4-169799184-T-C.
Other names: c.142T>C, p.Ser48Pro (NM_001166110.2); c.1965-12889T>C (NM_016081.4); c.819-12889T>C (NM_001166109.2); c.-157-12889T>C (NM_001367570.1, NM_001367568.1, NM_001367567.1 and 1 more transcripts); short protein forms S48P.
Identifiers: ClinVar variation 542932 (VCV000542932.9), dbSNP rs1553965214, ClinGen allele CA358795186.